The following is an entry in ClinVar:

NM_031372.4(HNRNPDL):c.119C>T (p.Pro40Leu)

Gene: HNRNPDL (heterogeneous nuclear ribonucleoprotein D like; minus strand). Cytogenetic location: 4q21.22.
Variant type: single nucleotide variant.
Coding change: c.119C>T on transcript NM_031372.4 (MANE Select); coding-DNA position 119, C replaced by T.
Protein change: p.Pro40Leu; replaces proline 40 with leucine.
Molecular consequence: missense variant. On other transcripts: non-coding transcript variant (1).
Genome position (GRCh38, 1-based): chr4:82,429,572, G>A on the plus strand (C>T on the coding strand, the complement: HNRNPDL is on the minus strand). VCF-style: chr4-82429572-G-A. GRCh37 (hg19) VCF-style: chr4-83350725-G-A.
Other names: c.119C>T (NM_031372.3); c.119C>T, p.Pro40Leu (NM_001207000.1); short protein forms P40L.
Identifiers: ClinVar variation 2420184 (VCV002420184.6), dbSNP rs747150158, ClinGen allele CA2985140.

ClinVar aggregate classification (germline): Uncertain significance. Review status: criteria provided, multiple submitters, no conflicts (2 of 4 stars). 2 submissions from 2 submitters: Uncertain significance (2). Last evaluated 2026-04-16.

Conditions:
HNRNPDL-related disorder. Also called: HNRNPDL-related condition.
Autosomal dominant limb-girdle muscular dystrophy type 1G (LGMDD3). Also called: Limb-girdle muscular dystrophy, type 1G; MUSCULAR DYSTROPHY, LIMB-GIRDLE, AUTOSOMAL DOMINANT 3. Identifiers: Orphanet 55596, MedGen C1836765, MONDO:0012193, OMIM 609115.

Submissions (2):

PreventionGenetics, part of Exact Sciences
Classification: Uncertain significance for HNRNPDL-related condition. Last evaluated: 2026-04-16. Review status: criteria provided, single submitter. Criteria: ACMG Guidelines, 2015. Collection method: clinical testing. Allele origin: germline.
Comment: The HNRNPDL c.119C>T variant is predicted to result in the amino acid substitution p.Pro40Leu. To our knowledge, this variant has not been reported in the literature or in a large population database (gnomAD). At this time, the clinical significance of this variant is uncertain due to the absence of conclusive functional and genetic evidence.

Labcorp Genetics (formerly Invitae), Labcorp
Classification: Uncertain significance for Autosomal dominant limb-girdle muscular dystrophy type 1G. Last evaluated: 2025-11-17. Review status: criteria provided, single submitter. Criteria: Invitae Variant Classification Sherloc (09022015). Collection method: clinical testing. Allele origin: germline.
Comment: This sequence change replaces proline, which is neutral and non-polar, with leucine, which is neutral and non-polar, at codon 40 of the HNRNPDL protein (p.Pro40Leu). This variant is not present in population databases (gnomAD no frequency). This variant has not been reported in the literature in individuals affected with HNRNPDL-related conditions. ClinVar contains an entry for this variant (Variation ID: 2420184). An algorithm developed to predict the effect of missense changes on protein structure and function (PolyPhen-2) suggests that this variant is likely to be disruptive. In summary, the available evidence is currently insufficient to determine the role of this variant in disease. Therefore, it has been classified as a Variant of Uncertain Significance.